The following is an entry in ClinVar:

NM_001080467.3(MYO5B):c.1788G>A (p.Lys596=)

Gene: MYO5B (myosin VB; minus strand). Cytogenetic location: 18q21.1.
Variant type: single nucleotide variant.
Coding change: c.1788G>A on transcript NM_001080467.3 (MANE Select); coding-DNA position 1788, G replaced by A.
Protein change: p.Lys596=; no amino-acid change (lysine 596 retained).
Molecular consequence: synonymous variant.
Genome position (GRCh38, 1-based): chr18:49,937,362, C>T on the plus strand (G>A on the coding strand, the complement: MYO5B is on the minus strand). VCF-style: chr18-49937362-C-T. GRCh37 (hg19) VCF-style: chr18-47463732-C-T.
Other names: c.1788G>A (NM_001080467.2).
Identifiers: ClinVar variation 2186116 (VCV002186116.5), dbSNP rs370132961, ClinGen allele CA8961372.

ClinVar aggregate classification (germline): Likely benign. Review status: criteria provided, multiple submitters, no conflicts (2 of 4 stars). 2 submissions from 2 submitters: Likely benign (2). Last evaluated 2025-02-17.

Conditions:
MYO5B-related disorder. Also called: MYO5B-related condition.

Allele frequency attached by ClinVar (database versions not stated): ESP Exome Variant Server 0.00016.
gnomAD v4.1: 10 of 1,613,986 alleles (0.00062%); highest among the groups gnomAD compares: African/African-American, 0.013%; no homozygotes.

Submissions (2):

Labcorp Genetics (formerly Invitae), Labcorp
Classification: Likely benign. Last evaluated: 2025-02-17. Review status: criteria provided, single submitter. Criteria: Invitae Variant Classification Sherloc (09022015). Collection method: clinical testing. Allele origin: germline.

PreventionGenetics, part of Exact Sciences
Classification: Likely benign for MYO5B-related condition. Last evaluated: 2025-02-12. Review status: criteria provided, single submitter. Criteria: ACMG Guidelines, 2015. Collection method: clinical testing. Allele origin: germline.
Comment: This variant is classified as likely benign based on ACMG/AMP sequence variant interpretation guidelines (Richards et al. 2015 PMID: 25741868, with internal and published modifications).